The following is an entry in ClinVar:

NM_000642.3(AGL):c.1835T>G (p.Leu612Ter)

Gene: AGL (amylo-alpha-1,6-glucosidase and 4-alpha-glucanotransferase; plus strand). Cytogenetic location: 1p21.2.
Variant type: single nucleotide variant.
Coding change: c.1835T>G on transcript NM_000642.3 (MANE Select); coding-DNA position 1835, T replaced by G.
Protein change: p.Leu612Ter; replaces leucine 612 with a stop codon.
Molecular consequence: nonsense.
Genome position (GRCh38, 1-based): chr1:99,880,731, T>G. VCF-style: chr1-99880731-T-G. GRCh37 (hg19) VCF-style: chr1-100346287-T-G.
Other names: c.1835T>G, p.Leu612Ter (NM_000028.3, NM_000643.3, NM_000644.3 and 2 more transcripts); c.1787T>G, p.Leu596Ter (NM_000646.3); c.1634T>G, p.Leu545Ter (NM_001425327.1); c.1631T>G, p.Leu544Ter (NM_001425328.1, NM_001425329.1); c.1457T>G, p.Leu486Ter (NM_001425332.1); short protein forms L545*, L486*, L612*, L544*, L596*.
Identifiers: ClinVar variation 4741502 (VCV004741502.1).

ClinVar aggregate classification (germline): Pathogenic (1 of 4 stars; one submission).

Conditions:
Glycogen storage disease type III (GSD3). Also called: FORBES DISEASE; Cori disease. Identifiers: Orphanet 366, MedGen C0017922, MONDO:0009291, OMIM 232400.

Submission:

Labcorp Genetics (formerly Invitae), Labcorp
Classification: Pathogenic for Glycogen storage disease type III. Last evaluated: 2025-06-01. Review status: criteria provided, single submitter. Criteria: Invitae Variant Classification Sherloc (09022015). Collection method: clinical testing. Allele origin: germline.
Comment: This sequence change creates a premature translational stop signal (p.Leu612*) in the AGL gene. It is expected to result in an absent or disrupted protein product. Loss-of-function variants in AGL are known to be pathogenic (PMID: 19299494). This variant is not present in population databases (gnomAD no frequency). This variant has not been reported in the literature in individuals affected with AGL-related conditions. Algorithms developed to predict the effect of sequence changes on RNA splicing suggest that this variant may disrupt the consensus splice site. For these reasons, this variant has been classified as Pathogenic.

Literature cited by the submitters: PubMed 19299494.